The following is an entry in ClinVar:

ClinVar aggregate classification (germline): Uncertain significance. Review status: criteria provided, multiple submitters, no conflicts (2 of 4 stars). 2 submissions from 2 submitters: Uncertain significance (2). Last evaluated 2022-06-22.

Conditions:
Inborn genetic diseases. Identifiers: MedGen C0950123, MeSH D030342.
Brown-Vialetto-van Laere syndrome 2. Also called: SPINOCEREBELLAR ATAXIA WITH BLINDNESS AND DEAFNESS 2; Riboflavin transporter deficiency type 2. Identifiers: Orphanet 572543, Orphanet 97229, MedGen C3553538, MONDO:0013867, OMIM 614707.

Allele frequency attached by ClinVar (database versions not stated): gnomAD exomes below 0.00001; TOPMed below 0.00001; gnomAD 0.00001.
gnomAD v4.1: 3 of 1,613,834 alleles (0.00019%); highest among the groups gnomAD compares: Non-Finnish European, 0.00025%; no homozygotes.

Submissions (2):

Labcorp Genetics (formerly Invitae), Labcorp
Classification: Uncertain significance for Brown-Vialetto-van Laere syndrome 2. Last evaluated: 2022-06-22. Review status: criteria provided, single submitter. Criteria: Invitae Variant Classification Sherloc (09022015). Collection method: clinical testing. Allele origin: germline.
Comment: In summary, the available evidence is currently insufficient to determine the role of this variant in disease. Therefore, it has been classified as a Variant of Uncertain Significance. Advanced modeling of protein sequence and biophysical properties (such as structural, functional, and spatial information, amino acid conservation, physicochemical variation, residue mobility, and thermodynamic stability) performed at Invitae indicates that this missense variant is expected to disrupt SLC52A2 protein function. This variant has not been reported in the literature in individuals affected with SLC52A2-related conditions. This variant is present in population databases (no rsID available, gnomAD 0.0009%). This sequence change replaces leucine, which is neutral and non-polar, with proline, which is neutral and non-polar, at codon 41 of the SLC52A2 protein (p.Leu41Pro).

Ambry Genetics
Classification: Uncertain significance for Inborn genetic diseases. Last evaluated: 2019-09-25. Review status: criteria provided, single submitter. Criteria: Ambry Variant Classification Scheme 2023. Collection method: clinical testing. Allele origin: germline.
Comment: The p.L41P variant (also known as c.122T>C), located in coding exon 1 of the SLC52A2 gene, results from a T to C substitution at nucleotide position 122. The leucine at codon 41 is replaced by proline, an amino acid with similar properties. This amino acid position is well conserved in available vertebrate species. In addition, this alteration is predicted to be deleterious by in silico analysis. Since supporting evidence is limited at this time, the clinical significance of this alteration remains unclear.

NM_001363118.2(SLC52A2):c.122T>C (p.Leu41Pro)

Gene: SLC52A2 (solute carrier family 52 member 2; plus strand). Cytogenetic location: 8q24.3.
Variant type: single nucleotide variant.
Coding change: c.122T>C on transcript NM_001363118.2 (MANE Select); coding-DNA position 122, T replaced by C.
Protein change: p.Leu41Pro; replaces leucine 41 with proline.
Molecular consequence: missense variant.
Genome position (GRCh38, 1-based): chr8:144,359,415, T>C. VCF-style: chr8-144359415-T-C. GRCh37 (hg19) VCF-style: chr8-145583075-T-C.
Other names: c.122T>C, p.Leu41Pro (NM_001253815.2, NM_001253816.2, NM_001363120.2 and 3 more transcripts); short protein forms L41P.
Identifiers: ClinVar variation 1419826 (VCV001419826.8), dbSNP rs1357218551, ClinGen allele CA372625993.